The following is an entry in ClinVar:

ClinVar aggregate classification (germline): Uncertain significance (1 of 4 stars; one submission).

Conditions:
Inborn genetic diseases. Identifiers: MedGen C0950123, MeSH D030342.

Submission:

Ambry Genetics
Classification: Uncertain significance for Inborn genetic diseases. Last evaluated: 2025-05-17. Review status: criteria provided, single submitter. Criteria: Ambry Variant Classification Scheme 2023. Collection method: clinical testing. Allele origin: germline.
Comment: The p.S1293G variant (also known as c.3877A>G), located in coding exon 1 of the SAMD9L gene, results from an A to G substitution at nucleotide position 3877. The serine at codon 1293 is replaced by glycine, an amino acid with similar properties. This amino acid position is conserved. In addition, this alteration is predicted to be tolerated by in silico analysis. Based on the available evidence, the clinical significance of this variant remains unclear.

NM_152703.5(SAMD9L):c.3877A>G (p.Ser1293Gly)

Gene: SAMD9L (sterile alpha motif domain containing 9 like; minus strand). Cytogenetic location: 7q21.2.
Variant type: single nucleotide variant.
Coding change: c.3877A>G on transcript NM_152703.5 (MANE Select); coding-DNA position 3877, A replaced by G.
Protein change: p.Ser1293Gly; replaces serine 1293 with glycine.
Molecular consequence: missense variant.
Genome position (GRCh38, 1-based): chr7:93,132,095, T>C on the plus strand (A>G on the coding strand, the complement: SAMD9L is on the minus strand). VCF-style: chr7-93132095-T-C. GRCh37 (hg19) VCF-style: chr7-92761408-T-C.
Other names: c.3877A>G, p.Ser1293Gly (NM_001350085.2, NM_001303496.3, NM_001303497.3 and 5 more transcripts); short protein forms S1293G.
Identifiers: ClinVar variation 3949923 (VCV003949923.1).